The following is an entry in ClinVar:

ClinVar aggregate classification (germline): Likely benign. Review status: criteria provided, multiple submitters, no conflicts (2 of 4 stars). 4 submissions from 4 submitters: Likely benign (4). Last evaluated 2026-01-01.

Conditions:
Hereditary spastic paraplegia 4. Also called: Spastic paraplegia 4, autosomal dominant; Spastic Paraplegia 4; Familial spastic paraplegia autosomal dominant 2. Identifiers: Orphanet 100985, MedGen C1866855, MONDO:0008438, OMIM 182601.

Allele frequency attached by ClinVar (database versions not stated): gnomAD exomes 0.00004 and 0.00012; ESP Exome Variant Server 0.00008; ExAC 0.00011; 1000 Genomes Project 0.00020; 1000 Genomes Project 30x 0.00031; gnomAD 0.00031 and 0.00035; TOPMed 0.00036.
gnomAD v4.1: 111 of 1,613,814 alleles (0.0069%); highest among the groups gnomAD compares: African/African-American, 0.11%; 1 homozygote.

Submissions (4):

Labcorp Genetics (formerly Invitae), Labcorp
Classification: Likely benign for Hereditary spastic paraplegia 4. Last evaluated: 2026-01-01. Review status: criteria provided, single submitter. Criteria: Invitae Variant Classification Sherloc (09022015). Collection method: clinical testing. Allele origin: germline.

CeGaT Center for Human Genetics Tuebingen
Classification: Likely benign. Last evaluated: 2025-11-01. Review status: criteria provided, single submitter. Criteria: CeGaT Center For Human Genetics Tuebingen Variant Classification Criteria Version 2. Collection method: clinical testing. Allele origin: germline. Affected: yes. Observed: 1 variant allele.
Comment: SPAST: BP4, BP7

GeneDx
Classification: Likely benign. Last evaluated: 2021-03-02. Review status: criteria provided, single submitter. Criteria: GeneDx Variant Classification Process June 2021. Collection method: clinical testing. Allele origin: germline. Affected: yes.

Illumina Laboratory Services, Illumina
Classification: Likely benign for Hereditary spastic paraplegia 4. Last evaluated: 2018-01-13. Review status: criteria provided, single submitter. Criteria: ICSL Variant Classification Criteria 13 December 2019. Collection method: clinical testing. Allele origin: germline.
Comment: This variant was observed in the ICSL laboratory as part of a predisposition screen in an ostensibly healthy population. It had not been previously curated by ICSL or reported in the Human Gene Mutation Database (HGMD: prior to June 1st, 2018), and was therefore a candidate for classification through an automated scoring system. Utilizing variant allele frequency, disease prevalence and penetrance estimates, and inheritance mode, an automated score was calculated to assess if this variant is too frequent to cause the disease. Based on the score and internal cut-off values, a variant classified as likely benign is not then subjected to further curation. The score for this variant resulted in a classification of likely benign for this disease.

NM_014946.4(SPAST):c.1362G>A (p.Glu454=)

Gene: SPAST (spastin; plus strand). Cytogenetic location: 2p22.3.
Variant type: single nucleotide variant.
Coding change: c.1362G>A on transcript NM_014946.4 (MANE Select); coding-DNA position 1362, G replaced by A.
Protein change: p.Glu454=; no amino-acid change (glutamic acid 454 retained).
Molecular consequence: synonymous variant.
Genome position (GRCh38, 1-based): chr2:32,136,917, G>A. VCF-style: chr2-32136917-G-A. GRCh37 (hg19) VCF-style: chr2-32361986-G-A.
Other names: c.1359G>A, p.Glu453= (NM_001363823.2); c.1263G>A, p.Glu421= (NM_001363875.2); c.1266G>A, p.Glu422= (NM_001377959.1, NM_199436.2).
Identifiers: ClinVar variation 701004 (VCV000701004.20), dbSNP rs138849656, ClinGen allele CA1600876.